The following is an entry in ClinVar:

NM_001036.6(RYR3):c.683A>G (p.His228Arg)

Gene: RYR3 (ryanodine receptor 3; plus strand). Cytogenetic location: 15q14.
Variant type: single nucleotide variant.
Coding change: c.683A>G on transcript NM_001036.6 (MANE Select); coding-DNA position 683, A replaced by G.
Protein change: p.His228Arg; replaces histidine 228 with arginine.
Molecular consequence: missense variant.
Genome position (GRCh38, 1-based): chr15:33,543,658, A>G. VCF-style: chr15-33543658-A-G. GRCh37 (hg19) VCF-style: chr15-33835859-A-G.
Other names: c.683A>G, p.His228Arg (NM_001243996.4); short protein forms H228R.
Identifiers: ClinVar variation 965898 (VCV000965898.9), dbSNP rs982194939, ClinGen allele CA268537345.

ClinVar aggregate classification (germline): Uncertain significance (1 of 4 stars; one submission).

Conditions:
Epileptic encephalopathy. Identifiers: MedGen C0543888, HP:0200134.

Allele frequency attached by ClinVar (database versions not stated): TOPMed 0.00001.
gnomAD v4.1: 3 of 1,612,860 alleles (0.00019%); highest among the groups gnomAD compares: Non-Finnish European, 0.00025%; no homozygotes.

Submission:

Labcorp Genetics (formerly Invitae), Labcorp
Classification: Uncertain significance for Epileptic encephalopathy. Last evaluated: 2022-08-16. Review status: criteria provided, single submitter. Criteria: Invitae Variant Classification Sherloc (09022015). Collection method: clinical testing. Allele origin: germline.
Comment: In summary, the available evidence is currently insufficient to determine the role of this variant in disease. Therefore, it has been classified as a Variant of Uncertain Significance. Algorithms developed to predict the effect of missense changes on protein structure and function are either unavailable or do not agree on the potential impact of this missense change (SIFT: "Deleterious"; PolyPhen-2: "Probably Damaging"; Align-GVGD: "Class C0"). ClinVar contains an entry for this variant (Variation ID: 965898). This variant has not been reported in the literature in individuals affected with RYR3-related conditions. This variant is not present in population databases (gnomAD no frequency). This sequence change replaces histidine, which is basic and polar, with arginine, which is basic and polar, at codon 228 of the RYR3 protein (p.His228Arg).